The following is an entry in ClinVar:

NM_021098.3(CACNA1H):c.6899T>C (p.Ile2300Thr)

Gene: CACNA1H (calcium voltage-gated channel subunit alpha1 H; plus strand). Cytogenetic location: 16p13.3.
Variant type: single nucleotide variant.
Coding change: c.6899T>C on transcript NM_021098.3 (MANE Select); coding-DNA position 6899, T replaced by C.
Protein change: p.Ile2300Thr; replaces isoleucine 2300 with threonine.
Molecular consequence: missense variant.
Genome position (GRCh38, 1-based): chr16:1,220,831, T>C. VCF-style: chr16-1220831-T-C. GRCh37 (hg19) VCF-style: chr16-1270831-T-C.
Other names: c.6881T>C, p.Ile2294Thr (NM_001005407.2); short protein forms I2294T, I2300T.
Identifiers: ClinVar variation 959283 (VCV000959283.9), dbSNP rs774338957, ClinGen allele CA276614465.

ClinVar aggregate classification (germline): Uncertain significance (1 of 4 stars; one submission).

Conditions:
Idiopathic generalized epilepsy. Also called: EIG; Generalised epilepsy. Identifiers: MedGen C0270850, MONDO:0005579, OMIM 600669.
Hyperaldosteronism, familial, type IV (HALD4). Also called: FH IV; ALDOSTERONISM, PRIMARY, AND HYPERTENSION. Identifiers: Orphanet 642671, MedGen C4310756, MONDO:0014875, OMIM 617027.

Allele frequency attached by ClinVar (database versions not stated): gnomAD 0.00001; gnomAD exomes 0.00001; TOPMed 0.00001.
gnomAD v4.1: 9 of 1,612,528 alleles (0.00056%); highest among the groups gnomAD compares: Non-Finnish European, 0.00076%; no homozygotes.

Submission:

Labcorp Genetics (formerly Invitae), Labcorp
Classification: Uncertain significance for Idiopathic generalized epilepsy; Hyperaldosteronism, familial, type IV. Last evaluated: 2019-09-20. Review status: criteria provided, single submitter. Criteria: Invitae Variant Classification Sherloc (09022015). Collection method: clinical testing. Allele origin: germline.
Comment: This sequence change replaces isoleucine with threonine at codon 2300 of the CACNA1H protein (p.Ile2300Thr). The isoleucine residue is weakly conserved and there is a moderate physicochemical difference between isoleucine and threonine. In summary, the available evidence is currently insufficient to determine the role of this variant in disease. Therefore, it has been classified as a Variant of Uncertain Significance. Algorithms developed to predict the effect of missense changes on protein structure and function output the following: SIFT: "Tolerated"; PolyPhen-2: "Benign"; Align-GVGD: "Class C0". The threonine amino acid residue is found in multiple mammalian species, suggesting that this missense change does not adversely affect protein function. These predictions have not been confirmed by published functional studies and their clinical significance is uncertain. This variant has not been reported in the literature in individuals with CACNA1H-related conditions. This variant is not present in population databases (ExAC no frequency).